The following is an entry in ClinVar:

ClinVar aggregate classification (germline): Uncertain significance. Review status: criteria provided, multiple submitters, no conflicts (2 of 4 stars). 2 submissions from 2 submitters: Uncertain significance (2). Last evaluated 2023-04-14.

Conditions:
Loeys-Dietz syndrome 2 (LDS2). Also called: TGFBR2-Related Loeys-Dietz Syndrome; Marfan Syndrome type 2; Marfan like connective tissue disorder; MFS 2; Marfan syndrome, type 2 (formerly); AORTIC ANEURYSM, FAMILIAL THORACIC 3. Identifiers: Orphanet 284973, Orphanet 558, MedGen C2674574, MONDO:0012427, OMIM 610168.

Allele frequency attached by ClinVar (database versions not stated): gnomAD 0.00001; TOPMed 0.00001.
gnomAD v4.1: 2 of 1,613,462 alleles (0.00012%); highest among the groups gnomAD compares: Admixed American, 0.0017%; no homozygotes.

Submissions (2):

Ambry Genetics
Classification: Uncertain significance. Last evaluated: 2023-04-14. Review status: criteria provided, single submitter. Criteria: Ambry Variant Classification Scheme 2023. Collection method: clinical testing. Allele origin: germline.
Comment: The p.T671S variant (also known as c.2012C>G), located in coding exon 4 of the TMPO gene, results from a C to G substitution at nucleotide position 2012. The threonine at codon 671 is replaced by serine, an amino acid with similar properties. This amino acid position is conserved. In addition, this alteration is predicted to be tolerated by in silico analysis. Since supporting evidence is limited at this time, the clinical significance of this alteration remains unclear.

Labcorp Genetics (formerly Invitae), Labcorp
Classification: Uncertain significance for Loeys-Dietz syndrome 2. Last evaluated: 2022-09-08. Review status: criteria provided, single submitter. Criteria: Invitae Variant Classification Sherloc (09022015). Collection method: clinical testing. Allele origin: germline.
Comment: In summary, the available evidence is currently insufficient to determine the role of this variant in disease. Therefore, it has been classified as a Variant of Uncertain Significance. Algorithms developed to predict the effect of missense changes on protein structure and function (SIFT, PolyPhen-2, Align-GVGD) all suggest that this variant is likely to be tolerated. ClinVar contains an entry for this variant (Variation ID: 1428820). This variant has not been reported in the literature in individuals affected with TMPO-related conditions. This sequence change replaces threonine, which is neutral and polar, with serine, which is neutral and polar, at codon 671 of the TMPO protein (p.Thr671Ser). This variant is not present in population databases (gnomAD no frequency).

NM_001032283.3(TMPO):c.565+2431C>G

Gene: TMPO (thymopoietin; plus strand). Cytogenetic location: 12q23.1.
Variant type: single nucleotide variant.
Coding change: c.565+2431C>G on transcript NM_001032283.3 (MANE Select); 2431 bases into the intron after coding-DNA position 565, C replaced by G.
Molecular consequence: intron variant. On other transcripts: missense variant (1).
Genome position (GRCh38, 1-based): chr12:98,534,269, C>G. VCF-style: chr12-98534269-C-G. GRCh37 (hg19) VCF-style: chr12-98928047-C-G.
Other names: c.2012C>G, p.Thr671Ser (NM_003276.2); c.565+2431C>G (NM_001307975.2, NM_001032284.3); short protein forms T671S.
Identifiers: ClinVar variation 1428820 (VCV001428820.10), dbSNP rs1435432542, ClinGen allele CA386154420.